The following is an entry in ClinVar:

NM_002734.5(PRKAR1A):c.982G>A (p.Ala328Thr)

Gene: PRKAR1A (protein kinase cAMP-dependent type I regulatory subunit alpha; plus strand). Cytogenetic location: 17q24.2.
Variant type: single nucleotide variant.
Coding change: c.982G>A on transcript NM_002734.5 (MANE Select); coding-DNA position 982, G replaced by A.
Protein change: p.Ala328Thr; replaces alanine 328 with threonine.
Molecular consequence: missense variant. On other transcripts: intron variant (1).
Genome position (GRCh38, 1-based): chr17:68,530,285, G>A. VCF-style: chr17-68530285-G-A. GRCh37 (hg19) VCF-style: chr17-66526426-G-A.
Other names: c.982G>A, p.Ala328Thr (NM_001276289.2, NM_001278433.2, NM_001369389.1 and 3 more transcripts); c.973+284G>A (NM_001276290.1); short protein forms A328T.
Identifiers: ClinVar variation 3362248 (VCV003362248.2).

ClinVar aggregate classification (germline): Likely pathogenic (1 of 4 stars; one submission).

Conditions:
Acrodysostosis 1 with or without hormone resistance (ACRDYS1). Also called: ACRODYSOSTOSIS WITH HORMONE RESISTANCE; ACRODYSOSTOSIS 1 WITH HORMONE RESISTANCE; ACRODYSOSTOSIS 1 WITHOUT HORMONE RESISTANCE. Identifiers: Orphanet 280651, MedGen C3276228, MONDO:0007044, OMIM 101800.

Submission:

Suzhou Clinical Center for Rare Diseases in Children, Children's Hospital of Soochow University
Classification: Likely pathogenic for Acrodysostosis 1 with or without hormone resistance. Last evaluated: 2024-09-01. Review status: criteria provided, single submitter. Criteria: ACMG Guidelines, 2015. Collection method: clinical testing. Allele origin: de novo. Affected: yes.
Comment: This variant is not recorded in the gnomAD (v4.1.0) (PM2_Supporting). Revel score is 0.85 (PP3_Moderate). Z score is 4.15> 3.09.(PP2) According to the ACMG guidelines, this variant is classified as a variant of likely pathogenic (PS2_Moderate+PM2_Supporting+PP2+PP3_Moderate).